The following is an entry in ClinVar:

ClinVar aggregate classification (germline): Uncertain significance (1 of 4 stars; one submission).

Submission:

Ambry Genetics
Classification: Uncertain significance. Last evaluated: 2025-03-20. Review status: criteria provided, single submitter. Criteria: Ambry Variant Classification Scheme 2023. Collection method: clinical testing. Allele origin: germline.
Comment: The p.P802L variant (also known as c.2405C>T), located in coding exon 11 of the WNK2 gene, results from a C to T substitution at nucleotide position 2405. The proline at codon 802 is replaced by leucine, an amino acid with similar properties. This amino acid position is conserved. In addition, the in silico prediction for this alteration is inconclusive. Based on the available evidence, the clinical significance of this variant remains unclear.

NM_006648.4(WNK2):c.2405C>T (p.Pro802Leu)

Gene: WNK2 (WNK lysine deficient protein kinase 2; plus strand). Cytogenetic location: 9q22.31.
Variant type: single nucleotide variant.
Coding change: c.2405C>T on transcript NM_006648.4 (MANE Select); coding-DNA position 2405, C replaced by T.
Protein change: p.Pro802Leu; replaces proline 802 with leucine.
Molecular consequence: missense variant.
Genome position (GRCh38, 1-based): chr9:93,258,953, C>T. VCF-style: chr9-93258953-C-T. GRCh37 (hg19) VCF-style: chr9-96021235-C-T.
Other names: c.2405C>T, p.Pro802Leu (NM_001282394.3); short protein forms P802L.
Identifiers: ClinVar variation 3981683 (VCV003981683.1).